The following continues an entry in ClinVar:

NM_000492.4(CFTR):c.332C>T (p.Pro111Leu)

Gene: CFTR. ClinVar aggregate classification (germline): Conflicting classifications of pathogenicity. Pathogenic (1); Likely pathogenic (1); Uncertain significance (11).

Submissions 9 to 14 of 14:

ARUP Laboratories, Molecular Genetics and Genomics, ARUP Laboratories
Classification: Uncertain significance. Last evaluated: 2022-12-02. Review status: criteria provided, single submitter. Criteria: ARUP Molecular Germline Variant Investigation Process 2024. Collection method: clinical testing. Allele origin: germline.
Comment: The CFTR c.332C>T; p.Pro111Leu variant (rs140502196) is described in the literature in individuals with atypical cystic fibrosis (i.e. congenital bilateral absence of the vas deferens (CBAVD), isolated pulmonary disease) (Bombieri 1998, de Meeus 1998, Larriba 2005). One affected individual carried a second pathogenic variant in CFTR (de Meeus 1998); however, additional pathogenic variants were not identified in other affected individuals (Bombieri 1998, Larriba 2005). The p.Pro111Leu variant is also reported in ClinVar (Variation ID: 53720). This variant is found in the general population with a low overall allele frequency of 0.006% (17/282480 alleles) in the Genome Aggregation Database. The proline at codon 111 is highly conserved, and computational analyses predict that this variant is deleterious (REVEL: 0.842). While functional studies indicate wildtype chloride channel activity at room temperature, this variant exhibits a defect in gating potential at physiological temperatures, suggesting altered activity under conditions closer to those in human tissues (Hammerle 2001). Another variant at the same codon (p.Pro111Ala) exhibits altered gating kinetics (Hammerle 2001) and is reported in an individual with CBAVD who carried a pathogenic variant on the opposite allele (SickKids CFTR database). Although the p.Pro111Leu variant is unlikely to be causative for classic cystic fibrosis, based on available information, we consider it uncertain whether it is pathogenic for other CFTR-related disorders. References: Link to SickKids CFTR database: Bombieri C et al. Complete mutational screening of the CFTR gene in 120 patients with pulmonary disease. Hum Genet. 1998 Dec;103(6):718-22. PMID: 9921909 de Meeus A et al. Genetic findings in congenital bilateral aplasia of vas deferens patients and identification of six novel mutatations. Mutations in brief no. 138. Online. Hum Mutat. 1998;11(6):480. PMID: 10200050. Hammerle MM et al. Disease-associated mutations in the extracytoplasmic loops of cystic fibrosis transmembrane conductance regulator do not impede biosynthetic processing but impair chloride channel stability. J Biol Chem. 2001 May 4;276(18):14848-54. PMID: 11278813 Larriba S et al. Molecular evaluation of CFTR sequence variants in male infertility of testicular origin. Int J Androl. 2005 Oct;28(5):284-90. PMID: 16128988

Department of Pathology and Laboratory Medicine, Sinai Health System
Classification: Uncertain significance for cystic fibrosis. Last evaluated: 2022-09-15. Review status: criteria provided, single submitter. Criteria: ACMG Guidelines, 2015. Collection method: research. Allele origin: germline.

Genome-Nilou Lab
Classification: Uncertain significance for Cystic fibrosis. Last evaluated: 2021-07-22. Review status: criteria provided, single submitter. Criteria: ACMG Guidelines, 2015. Collection method: clinical testing. Allele origin: germline. Affected: no.

Laboratorio de Genetica e Diagnostico Molecular, Hospital Israelita Albert Einstein
Classification: Uncertain significance. Last evaluated: 2021-04-14. Review status: criteria provided, single submitter. Criteria: ACMG Guidelines, 2015. Collection method: clinical testing. Allele origin: germline. Affected: yes.
Comment: ACMG classification criteria: PM2, PM3, PP3

Eurofins Ntd Llc (ga)
Classification: Uncertain significance. Last evaluated: 2017-09-21. Review status: criteria provided, single submitter. Criteria: EGL Classification Definitions 2015. Collection method: clinical testing. Allele origin: germline. Observed: 1 variant allele, 1 heterozygote.

Natera, Inc.
Classification: Uncertain significance for CFTR-related disorders. Last evaluated: 2020-11-25. Review status: no assertion criteria provided. Collection method: clinical testing. Allele origin: germline. Not counted in ClinVar's aggregate classification.

Literature cited by the submitters: PubMed 9921909 (cited by 5 submitters); PubMed 16128988 (cited by 4 submitters); PubMed 21520337 (cited by 3 submitters); PubMed 11278813 (cited by 6 submitters); PubMed 10200050 (cited by 7 submitters); PubMed 24451227 (cited by 3 submitters); PubMed 24727426 (cited by Women's Health and Genetics/Laboratory Corporation of America, LabCorp); PubMed 31672438 (cited by Women's Health and Genetics/Laboratory Corporation of America, LabCorp and Labcorp Genetics (formerly Invitae), Labcorp); PubMed 33572515 (cited by 3 submitters); PubMed 34996830 (cited by Women's Health and Genetics/Laboratory Corporation of America, LabCorp); PubMed 34782259 (cited by 3 submitters); PubMed 38388235 (cited by Women's Health and Genetics/Laboratory Corporation of America, LabCorp and Mayo Clinic Laboratories, Mayo Clinic); PubMed 36468602 (cited by Women's Health and Genetics/Laboratory Corporation of America, LabCorp); PubMed 34525262 (cited by Mayo Clinic Laboratories, Mayo Clinic); PubMed 35913788 (cited by Mayo Clinic Laboratories, Mayo Clinic); PubMed 26990548 (cited by Quest Diagnostics Nichols Institute San Juan Capistrano and Eurofins Ntd Llc (ga)).